The following is an entry in ClinVar:

NM_001365999.1(SZT2):c.874G>C (p.Val292Leu)

Gene: SZT2 (SZT2 subunit of KICSTOR complex; plus strand). Cytogenetic location: 1p34.2.
Variant type: single nucleotide variant.
Coding change: c.874G>C on transcript NM_001365999.1 (MANE Select); coding-DNA position 874, G replaced by C.
Protein change: p.Val292Leu; replaces valine 292 with leucine.
Molecular consequence: missense variant.
Genome position (GRCh38, 1-based): chr1:43,416,636, G>C. VCF-style: chr1-43416636-G-C. GRCh37 (hg19) VCF-style: chr1-43882307-G-C.
Other names: c.874G>C, p.Val292Leu (NM_015284.4); short protein forms V292L.
Identifiers: ClinVar variation 1442476 (VCV001442476.8), dbSNP rs1651754376, ClinGen allele CA340004024.
Genomic context (GRCh38, chr1:43,416,636, plus strand): 5'-GTTGCTGTCTGTGAGACACTGCTGAACCAGCTTCGCAGTGGCACTGTGGCTTGTTCCTTT[G>C]TCCAGGTGAGGACTTTTTAGGAAGGACGAGAGAGATATGGAATATCTCACACAAAGTTGG-3'
Protein context (NP_001352928.1, residues 282-302): LRSGTVACSF[Val292Leu]QVGGVYSYDC

ClinVar aggregate classification (germline): Uncertain significance (1 of 4 stars; one submission).

Submission:

Labcorp Genetics (formerly Invitae), Labcorp
Classification: Uncertain significance. Last evaluated: 2025-06-29. Review status: criteria provided, single submitter. Criteria: Invitae Variant Classification Sherloc (09022015). Collection method: clinical testing. Allele origin: germline.
Comment: This sequence change replaces valine, which is neutral and non-polar, with leucine, which is neutral and non-polar, at codon 292 of the SZT2 protein (p.Val292Leu). This variant is not present in population databases (gnomAD no frequency). This variant has not been reported in the literature in individuals affected with SZT2-related conditions. ClinVar contains an entry for this variant (Variation ID: 1442476). Invitae Evidence Modeling of protein sequence and biophysical properties (such as structural, functional, and spatial information, amino acid conservation, physicochemical variation, residue mobility, and thermodynamic stability) indicates that this missense variant is not expected to disrupt SZT2 protein function with a negative predictive value of 80%. In summary, the available evidence is currently insufficient to determine the role of this variant in disease. Therefore, it has been classified as a Variant of Uncertain Significance.